The following is an entry in ClinVar:

ClinVar aggregate classification (germline): Conflicting classifications of pathogenicity. Review status: criteria provided, conflicting classifications (1 of 4 stars). 4 submissions from 4 submitters: Uncertain significance (3); Likely benign (1). Last evaluated 2025-11-11.

Conditions:
Lynch syndrome. Identifiers: Orphanet 144, MedGen C4552100, MONDO:0005835. Disease mechanism: loss of function.
Hereditary nonpolyposis colorectal neoplasms. Identifiers: MedGen C0009405, MeSH D003123.
Hereditary cancer-predisposing syndrome. Also called: Tumor predisposition; Neoplastic Syndromes, Hereditary; Hereditary Cancer Syndrome; Hereditary neoplastic syndrome. Identifiers: Orphanet 140162, MedGen C0027672, MeSH D009386, MONDO:0015356.

Allele frequency attached by ClinVar (database versions not stated): gnomAD exomes below 0.00001; gnomAD 0.00001.
gnomAD v4.1: 3 of 1,614,040 alleles (0.00019%); highest among the groups gnomAD compares: African/African-American, 0.0013%; no homozygotes.

Submissions (4):

Color Diagnostics, LLC DBA Color Health
Classification: Uncertain significance for Hereditary cancer-predisposing syndrome. Last evaluated: 2025-11-11. Review status: criteria provided, single submitter. Criteria: ACMG Guidelines, 2015. Collection method: clinical testing. Allele origin: germline.
Comment: This missense variant replaces tyrosine with cysteine at codon 366 of the MSH6 protein. Computational prediction suggests that this variant may not impact protein structure and function. To our knowledge, functional studies have not been reported for this variant. This variant has not been reported in individuals affected with MSH6-related disorders in the literature. This variant has been identified in 3/1614040 chromosomes in the general population by the Genome Aggregation Database (gnomAD). The available evidence is insufficient to determine the role of this variant in disease conclusively. Therefore, this variant is classified as a Variant of Uncertain Significance.

Ambry Genetics
Classification: Uncertain significance for Hereditary cancer-predisposing syndrome. Last evaluated: 2025-10-23. Review status: criteria provided, single submitter. Criteria: Ambry Variant Classification Scheme 2023. Collection method: clinical testing. Allele origin: germline.
Comment: The p.Y366C variant (also known as c.1097A>G), located in coding exon 4 of the MSH6 gene, results from an A to G substitution at nucleotide position 1097. The tyrosine at codon 366 is replaced by cysteine, an amino acid with highly dissimilar properties. This amino acid position is not well conserved in available vertebrate species. In addition, the in silico prediction for this alteration is inconclusive. Since supporting evidence is limited at this time, the clinical significance of this alteration remains unclear.

Labcorp Genetics (formerly Invitae), Labcorp
Classification: Likely benign for Hereditary nonpolyposis colorectal neoplasms. Last evaluated: 2025-03-17. Review status: criteria provided, single submitter. Criteria: Invitae Variant Classification Sherloc (09022015). Collection method: clinical testing. Allele origin: germline.

Blueprint Genetics
Classification: Uncertain significance. Last evaluated: 2024-03-22. Review status: criteria provided, single submitter. Criteria: ACMG Guidelines, 2015. Collection method: clinical testing. Allele origin: germline.

NM_000179.3(MSH6):c.1097A>G (p.Tyr366Cys)

Gene: MSH6 (mutS homolog 6; plus strand). Cytogenetic location: 2p16.3.
Variant type: single nucleotide variant.
Coding change: c.1097A>G on transcript NM_000179.3 (MANE Select); coding-DNA position 1097, A replaced by G.
Protein change: p.Tyr366Cys; replaces tyrosine 366 with cysteine.
Molecular consequence: missense variant.
Genome position (GRCh38, 1-based): chr2:47,799,080, A>G. VCF-style: chr2-47799080-A-G. GRCh37 (hg19) VCF-style: chr2-48026219-A-G.
Other names: c.707A>G, p.Tyr236Cys (NM_001281492.2); c.191A>G, p.Tyr64Cys (NM_001281493.2, NM_001281494.2); short protein forms Y366C, Y64C, Y236C.
Identifiers: ClinVar variation 628553 (VCV000628553.20), dbSNP rs1482767334, ClinGen allele CA346741890.